The following is an entry in ClinVar:

NM_022051.3(EGLN1):c.355G>C (p.Asp119His)

Gene: EGLN1 (egl-9 family hypoxia inducible factor 1; minus strand). Cytogenetic location: 1q42.2.
Variant type: single nucleotide variant.
Coding change: c.355G>C on transcript NM_022051.3 (MANE Select); coding-DNA position 355, G replaced by C.
Protein change: p.Asp119His; replaces aspartic acid 119 with histidine.
Molecular consequence: missense variant.
Genome position (GRCh38, 1-based): chr1:231,421,534, C>G on the plus strand (G>C on the coding strand, the complement: EGLN1 is on the minus strand). VCF-style: chr1-231421534-C-G. GRCh37 (hg19) VCF-style: chr1-231557280-C-G.
Other names: c.355G>C, p.Asp119His (NM_001377260.1, NM_001377261.1); short protein forms D119H.
Identifiers: ClinVar variation 3507230 (VCV003507230.1).
Genomic context (GRCh38, chr1:231,421,534, plus strand): 5'-CCACCGCCGAGCCCTGGCCGCCGGCGGCCGCACGACACGGCGACGCGGCCGCCGCTGGGT[C>G]GGCCGGGGGCTTGGCCTTTACTTTTCCCTTGGCCGCGTCCCCGGAGGCGTTGTCCCGGCG-3'
Protein context (NP_071334.1, residues 109-129): KGKVKAKPPA[Asp119His]PAAAASPCRA

ClinVar aggregate classification (germline): Uncertain significance (1 of 4 stars; one submission).

Submission:

Ambry Genetics
Classification: Uncertain significance. Last evaluated: 2024-10-04. Review status: criteria provided, single submitter. Criteria: Ambry Variant Classification Scheme 2023. Collection method: clinical testing. Allele origin: germline.
Comment: The p.D119H variant (also known as c.355G>C), located in coding exon 1 of the EGLN1 gene, results from a G to C substitution at nucleotide position 355. The aspartic acid at codon 119 is replaced by histidine, an amino acid with similar properties. This amino acid position is conserved. In addition, this alteration is predicted to be tolerated by in silico analysis. Based on the available evidence, the clinical significance of this variant remains unclear.